The following is an entry in ClinVar:

NM_001378074.1(BOC):c.1357A>G (p.Thr453Ala)

Gene: BOC (BOC cell adhesion associated, oncogene regulated; plus strand). Cytogenetic location: 3q13.2.
Variant type: single nucleotide variant.
Coding change: c.1357A>G on transcript NM_001378074.1 (MANE Select); coding-DNA position 1357, A replaced by G.
Protein change: p.Thr453Ala; replaces threonine 453 with alanine.
Molecular consequence: missense variant. On other transcripts: non-coding transcript variant (1).
Genome position (GRCh38, 1-based): chr3:113,274,497, A>G. VCF-style: chr3-113274497-A-G. GRCh37 (hg19) VCF-style: chr3-112993344-A-G.
Other names: c.1357A>G, p.Thr453Ala (NM_001301861.2, NM_001378073.1, NM_001378075.1 and 10 more transcripts); c.1084A>G, p.Thr362Ala (NM_001387924.1); short protein forms T362A, T453A.
Identifiers: ClinVar variation 2214520 (VCV002214520.26), dbSNP rs139036160, ClinGen allele CA2542865.

ClinVar aggregate classification (germline): Conflicting classifications of pathogenicity. Review status: criteria provided, conflicting classifications (1 of 4 stars). 2 submissions from 2 submitters: Uncertain significance (1); Likely benign (1). Last evaluated 2022-08-01.

Allele frequency attached by ClinVar (database versions not stated): gnomAD exomes 0.00018; TOPMed 0.00036; gnomAD 0.00042; ExAC 0.00044; ESP Exome Variant Server 0.00069; 1000 Genomes Project 30x 0.00078; 1000 Genomes Project 0.00100.
gnomAD v4.1: 342 of 1,612,704 alleles (0.021%); highest among the groups gnomAD compares: South Asian, 0.18%; 5 homozygotes.

Submissions (2):

CeGaT Center for Human Genetics Tuebingen
Classification: Likely benign. Last evaluated: 2022-08-01. Review status: criteria provided, single submitter. Criteria: CeGaT Center For Human Genetics Tuebingen Variant Classification Criteria Version 2. Collection method: clinical testing. Allele origin: germline. Affected: yes. Observed: 1 variant allele.
Comment: BOC: BP4

Ambry Genetics
Classification: Uncertain significance. Last evaluated: 2021-10-12. Review status: criteria provided, single submitter. Criteria: Ambry Variant Classification Scheme 2023. Collection method: clinical testing. Allele origin: germline.